The following is an entry in ClinVar:

ClinVar aggregate classification (germline): Likely benign. Review status: criteria provided, multiple submitters, no conflicts (2 of 4 stars). 4 submissions from 4 submitters: Likely benign (4). Last evaluated 2025-08-17.

Conditions:
Cardiovascular phenotype. Identifiers: MedGen CN230736.
Hypertrophic cardiomyopathy 13. Also called: TNNC1-Related Familial Hypertrophic Cardiomyopathy. Identifiers: MedGen C2750472, MONDO:0013195, OMIM 613243.
Dilated cardiomyopathy 1Z (CMD1Z). Identifiers: Orphanet 154, MedGen C2678475, MONDO:0012745, OMIM 611879.

Allele frequency attached by ClinVar (database versions not stated): gnomAD exomes 0.00001; ExAC 0.00002; TOPMed 0.00002; gnomAD 0.00003.
gnomAD v4.1: 19 of 1,613,790 alleles (0.0012%); highest among the groups gnomAD compares: Middle Eastern, 0.049%; no homozygotes.

Submissions (4):

Labcorp Genetics (formerly Invitae), Labcorp
Classification: Likely benign for Hypertrophic cardiomyopathy 13; Dilated cardiomyopathy 1Z. Last evaluated: 2025-08-17. Review status: criteria provided, single submitter. Criteria: Invitae Variant Classification Sherloc (09022015). Collection method: clinical testing. Allele origin: germline.

CeGaT Center for Human Genetics Tuebingen
Classification: Likely benign. Last evaluated: 2023-08-01. Review status: criteria provided, single submitter. Criteria: CeGaT Center For Human Genetics Tuebingen Variant Classification Criteria Version 2. Collection method: clinical testing. Allele origin: germline. Affected: yes. Observed: 1 variant allele.
Comment: TNNC1: BP4, BP7

Ambry Genetics
Classification: Likely benign for Cardiovascular phenotype. Last evaluated: 2023-01-20. Review status: criteria provided, single submitter. Criteria: Ambry Variant Classification Scheme 2023. Collection method: clinical testing. Allele origin: germline.

GeneDx
Classification: Likely benign. Last evaluated: 2020-10-01. Review status: criteria provided, single submitter. Criteria: GeneDx Variant Classification Process June 2021. Collection method: clinical testing. Allele origin: germline. Affected: yes.

NM_003280.3(TNNC1):c.183C>T (p.Ile61=)

Gene: TNNC1 (troponin C1, slow skeletal and cardiac type; minus strand). Cytogenetic location: 3p21.1.
Variant type: single nucleotide variant.
Coding change: c.183C>T on transcript NM_003280.3 (MANE Select); coding-DNA position 183, C replaced by T.
Protein change: p.Ile61=; no amino-acid change (isoleucine 61 retained).
Molecular consequence: synonymous variant.
Genome position (GRCh38, 1-based): chr3:52,452,125, G>A on the plus strand (C>T on the coding strand, the complement: TNNC1 is on the minus strand). VCF-style: chr3-52452125-G-A. GRCh37 (hg19) VCF-style: chr3-52486141-G-A.
Other names: c.183C>T (LRG_378t1).
Identifiers: ClinVar variation 383379 (VCV000383379.36), dbSNP rs764114178, ClinGen allele CA2438576.